The following is an entry in ClinVar:

ClinVar aggregate classification (germline): Uncertain significance. Review status: criteria provided, multiple submitters, no conflicts (2 of 4 stars). 2 submissions from 2 submitters: Uncertain significance (2). Last evaluated 2024-07-02.

Conditions:
Hereditary cancer-predisposing syndrome. Also called: Hereditary Cancer Syndrome; Tumor predisposition; Neoplastic Syndromes, Hereditary; Hereditary neoplastic syndrome. Identifiers: Orphanet 140162, MedGen C0027672, MeSH D009386, MONDO:0015356.
Neuroblastoma, susceptibility to, 3. Also called: ALK-Related Neuroblastic Tumor Susceptibility. Identifiers: Orphanet 635, MedGen C2751681, MONDO:0013083, OMIM 613014.

Submissions (2):

Labcorp Genetics (formerly Invitae), Labcorp
Classification: Uncertain significance for Neuroblastoma, susceptibility to, 3. Last evaluated: 2024-07-02. Review status: criteria provided, single submitter. Criteria: Invitae Variant Classification Sherloc (09022015). Collection method: clinical testing. Allele origin: germline.
Comment: This sequence change replaces proline, which is neutral and non-polar, with leucine, which is neutral and non-polar, at codon 907 of the ALK protein (p.Pro907Leu). This variant is not present in population databases (gnomAD no frequency). This variant has not been reported in the literature in individuals affected with ALK-related conditions. An algorithm developed to predict the effect of missense changes on protein structure and function (PolyPhen-2) suggests that this variant is likely to be disruptive. In summary, the available evidence is currently insufficient to determine the role of this variant in disease. Therefore, it has been classified as a Variant of Uncertain Significance.

Ambry Genetics
Classification: Uncertain significance for Hereditary cancer-predisposing syndrome. Last evaluated: 2023-11-14. Review status: criteria provided, single submitter. Criteria: Ambry Variant Classification Scheme 2023. Collection method: clinical testing. Allele origin: germline.
Comment: The p.P907L variant (also known as c.2720C>T), located in coding exon 16 of the ALK gene, results from a C to T substitution at nucleotide position 2720. The proline at codon 907 is replaced by leucine, an amino acid with similar properties. This amino acid position is conserved. In addition, this alteration is predicted to be deleterious by in silico analysis. Since supporting evidence is limited at this time, the clinical significance of this alteration remains unclear.

NM_004304.5(ALK):c.2720C>T (p.Pro907Leu)

Gene: ALK (ALK receptor tyrosine kinase; minus strand). Cytogenetic location: 2p23.2.
Variant type: single nucleotide variant.
Coding change: c.2720C>T on transcript NM_004304.5 (MANE Select); coding-DNA position 2720, C replaced by T.
Protein change: p.Pro907Leu; replaces proline 907 with leucine.
Molecular consequence: missense variant.
Genome position (GRCh38, 1-based): chr2:29,228,979, G>A on the plus strand (C>T on the coding strand, the complement: ALK is on the minus strand). VCF-style: chr2-29228979-G-A. GRCh37 (hg19) VCF-style: chr2-29451845-G-A.
Other names: short protein forms P907L.
Identifiers: ClinVar variation 3223844 (VCV003223844.3), dbSNP rs2465978201, ClinGen allele CA346469841.